The following is an entry in ClinVar:

NC_000006.12:g.39907116CT[1]

Gene: MOCS1 (molybdenum cofactor synthesis 1; minus strand). Cytogenetic location: 6p21.2.
Variant type: Microsatellite.
Genome position: GRCh38 VCF-style: chr6-39907115-ACT-A. GRCh37 (hg19) VCF-style: chr6-39874891-ACT-A.
Identifiers: ClinVar variation 2880758 (VCV002880758.3), dbSNP rs1156880851, ClinGen allele CA824623917.

ClinVar aggregate classification (germline): Pathogenic (1 of 4 stars; one submission).

Conditions:
Sulfite oxidase deficiency due to molybdenum cofactor deficiency type A. Also called: Molybdenum cofactor deficiency, complementation group A; Molybdenum Cofactor Deficiency A. Identifiers: Orphanet 308386, Orphanet 833, MedGen C1854988, MONDO:0009643, OMIM 252150.

Submission:

Labcorp Genetics (formerly Invitae), Labcorp
Classification: Pathogenic for Sulfite oxidase deficiency due to molybdenum cofactor deficiency type A. Last evaluated: 2024-02-14. Review status: criteria provided, single submitter. Criteria: Invitae Variant Classification Sherloc (09022015). Collection method: clinical testing. Allele origin: germline.
Comment: This sequence change creates a premature translational stop signal (p.Glu384Valfs*79) in the MOCS1 gene. While this is not anticipated to result in nonsense mediated decay, it is expected to disrupt the last 253 amino acid(s) of the MOCS1 protein. This variant is not present in population databases (gnomAD no frequency). This variant has not been reported in the literature in individuals affected with MOCS1-related conditions. Algorithms developed to predict the effect of sequence changes on RNA splicing suggest that this variant may disrupt the consensus splice site. This variant disrupts a region of the MOCS1 protein in which other variant(s) (p.Glu503Alafs*103) have been determined to be pathogenic (PMID: 9731530, 9921896). This suggests that this is a clinically significant region of the protein, and that variants that disrupt it are likely to be disease-causing. For these reasons, this variant has been classified as Pathogenic.

Literature cited by the submitters: PubMed 9731530; PubMed 9921896.